The following is an entry in ClinVar:

NM_000551.4(VHL):c.291C>G (p.Pro97=)

Gene: VHL (von Hippel-Lindau tumor suppressor; plus strand). Cytogenetic location: 3p25.3.
Variant type: single nucleotide variant.
Coding change: c.291C>G on transcript NM_000551.4 (MANE Select); coding-DNA position 291, C replaced by G.
Protein change: p.Pro97=; no amino-acid change (proline 97 retained).
Molecular consequence: synonymous variant.
Genome position (GRCh38, 1-based): chr3:10,142,138, C>G. VCF-style: chr3-10142138-C-G. GRCh37 (hg19) VCF-style: chr3-10183822-C-G.
Other names: c.291C>G, p.Pro97= (NM_001354723.2, NM_198156.3).
Identifiers: ClinVar variation 526692 (VCV000526692.17), dbSNP rs1805159, ClinGen allele CA70046209.

ClinVar aggregate classification (germline): Conflicting classifications of pathogenicity. Review status: criteria provided, conflicting classifications (1 of 4 stars). 4 submissions from 4 submitters: Uncertain significance (1); Benign (1); Likely benign (2). Last evaluated 2025-06-10.

Conditions:
Chuvash polycythemia. Also called: POLYCYTHEMIA, VHL-DEPENDENT. Identifiers: Orphanet 238557, MedGen C1837915, MONDO:0009892, OMIM 263400.
Von Hippel-Lindau syndrome (VHLS). Also called: von Hippel–Lindau syndrome; VHL syndrome; Von Hippel-Lindau. Identifiers: Orphanet 892, MedGen C0019562, MONDO:0008667, OMIM 193300. Disease mechanism: loss of function.
Hereditary cancer-predisposing syndrome. Also called: Neoplastic Syndromes, Hereditary; Tumor predisposition; Hereditary neoplastic syndrome; Hereditary Cancer Syndrome. Identifiers: Orphanet 140162, MedGen C0027672, MeSH D009386, MONDO:0015356.

Allele frequency attached by ClinVar (database versions not stated): gnomAD exomes below 0.00001; gnomAD 0.00001; TOPMed 0.00001.
gnomAD v4.1: 3 of 1,600,042 alleles (0.00019%); highest among the groups gnomAD compares: African/African-American, 0.004%; no homozygotes.

Submissions (4):

Myriad Genetics, Inc.
Classification: Benign for Von Hippel-Lindau syndrome. Last evaluated: 2025-06-10. Review status: criteria provided, single submitter. Criteria: Myriad Autosomal Dominant, Autosomal Recessive and X-Linked Classification Criteria (2023). Collection method: clinical testing. Allele origin: unknown.
Comment: This variant is considered benign. This variant is a silent/synonymous amino acid change and it is not expected to impact splicing.

Labcorp Genetics (formerly Invitae), Labcorp
Classification: Likely benign for Von Hippel-Lindau syndrome; Chuvash polycythemia. Last evaluated: 2025-05-27. Review status: criteria provided, single submitter. Criteria: Invitae Variant Classification Sherloc (09022015). Collection method: clinical testing. Allele origin: germline.

Ambry Genetics
Classification: Likely benign for Hereditary cancer-predisposing syndrome. Last evaluated: 2020-01-16. Review status: criteria provided, single submitter. Criteria: Ambry Variant Classification Scheme 2023. Collection method: clinical testing. Allele origin: germline.

Illumina Laboratory Services, Illumina
Classification: Uncertain significance for Von Hippel-Lindau syndrome. Last evaluated: 2017-04-27. Review status: criteria provided, single submitter. Criteria: ICSL Variant Classification Criteria 13 December 2019. Collection method: clinical testing. Allele origin: germline.

Literature cited by the submitters: PubMed 10862095 (cited by Ambry Genetics); PubMed 20151405 (cited by Ambry Genetics).